The following is an entry in ClinVar:

NM_001282225.2(ADA2):c.542+4A>T

Gene: ADA2 (adenosine deaminase 2; minus strand). Cytogenetic location: 22q11.1.
Variant type: single nucleotide variant.
Coding change: c.542+4A>T on transcript NM_001282225.2 (MANE Select); 4 bases into the intron after coding-DNA position 542, A replaced by T.
Molecular consequence: intron variant.
Genome position (GRCh38, 1-based): chr22:17,207,067, T>A on the plus strand (A>T on the coding strand, the complement: ADA2 is on the minus strand). VCF-style: chr22-17207067-T-A. GRCh37 (hg19) VCF-style: chr22-17687957-T-A.
Other names: c.416+4A>T (NM_001282227.2, NM_001282228.2); c.182+4A>T (NM_001282229.2); c.542+4A>T (NM_001282226.2).
Identifiers: ClinVar variation 2187607 (VCV002187607.1), dbSNP rs1414254575, ClinGen allele CA751224361.

ClinVar aggregate classification (germline): Uncertain significance (1 of 4 stars; one submission).

Conditions:
Deficiency of adenosine deaminase 2. Also called: Polyarteritis nodosa, childhoood-onset; Adenosine Deaminase 2 Deficiency; VASCULITIS, AUTOINFLAMMATION, IMMUNODEFICIENCY, AND HEMATOLOGIC DEFECTS SYNDROME. Identifiers: Orphanet 404553, MedGen C3887654, MONDO:0014306, OMIM 615688, MONDO:0100317.

Allele frequency attached by ClinVar (database versions not stated): TOPMed 0.00001.

Submission:

Labcorp Genetics (formerly Invitae), Labcorp
Classification: Uncertain significance for Deficiency of adenosine deaminase 2. Last evaluated: 2022-08-03. Review status: criteria provided, single submitter. Criteria: Invitae Variant Classification Sherloc (09022015). Collection method: clinical testing. Allele origin: germline.
Comment: This sequence change falls in intron 3 of the ADA2 gene. It does not directly change the encoded amino acid sequence of the ADA2 protein. It affects a nucleotide within the consensus splice site. This variant is not present in population databases (gnomAD no frequency). This variant has not been reported in the literature in individuals affected with ADA2-related conditions. Variants that disrupt the consensus splice site are a relatively common cause of aberrant splicing (PMID: 17576681, 9536098). Algorithms developed to predict the effect of sequence changes on RNA splicing suggest that this variant is not likely to affect RNA splicing. In summary, the available evidence is currently insufficient to determine the role of this variant in disease. Therefore, it has been classified as a Variant of Uncertain Significance.

Literature cited by the submitters: PubMed 17576681; PubMed 9536098.